The following is an entry in ClinVar:

ClinVar aggregate classification (germline): Uncertain significance (1 of 4 stars; one submission).

Conditions:
Anophthalmia-microphthalmia syndrome. Also called: Anophthalmia/Microphthalmia; Anophthalmia - microphthalmia. Identifiers: Orphanet 98555, MedGen C5680330, MONDO:0020147.

Submission:

Labcorp Genetics (formerly Invitae), Labcorp
Classification: Uncertain significance for Anophthalmia-microphthalmia syndrome. Last evaluated: 2023-04-12. Review status: criteria provided, single submitter. Criteria: Invitae Variant Classification Sherloc (09022015). Collection method: clinical testing. Allele origin: germline.
Comment: This sequence change replaces proline, which is neutral and non-polar, with serine, which is neutral and polar, at codon 63 of the OTX2 protein (p.Pro63Ser). This variant is not present in population databases (gnomAD no frequency). This variant has not been reported in the literature in individuals affected with OTX2-related conditions. An algorithm developed to predict the effect of missense changes on protein structure and function (PolyPhen-2) suggests that this variant is likely to be disruptive. In summary, the available evidence is currently insufficient to determine the role of this variant in disease. Therefore, it has been classified as a Variant of Uncertain Significance.

NM_021728.4(OTX2):c.211C>T (p.Pro71Ser)

Gene: OTX2 (orthodenticle homeobox 2; minus strand). Cytogenetic location: 14q22.3.
Variant type: single nucleotide variant.
Coding change: c.211C>T on transcript NM_021728.4 (MANE Select); coding-DNA position 211, C replaced by T.
Protein change: p.Pro71Ser; replaces proline 71 with serine.
Molecular consequence: missense variant.
Genome position (GRCh38, 1-based): chr14:56,804,250, G>A on the plus strand (C>T on the coding strand, the complement: OTX2 is on the minus strand). VCF-style: chr14-56804250-G-A. GRCh37 (hg19) VCF-style: chr14-57270968-G-A.
Other names: c.187C>T, p.Pro63Ser (NM_001270523.2, NM_001270524.2, NM_172337.3); c.211C>T, p.Pro71Ser (NM_001270525.2); short protein forms P71S, P63S.
Identifiers: ClinVar variation 2855655 (VCV002855655.3), dbSNP rs1064795810, ClinGen allele CA390052376.